The following is an entry in ClinVar:

ClinVar aggregate classification (germline): Pathogenic (1 of 4 stars; one submission).

Submission:

Labcorp Genetics (formerly Invitae), Labcorp
Classification: Pathogenic. Last evaluated: 2023-06-01. Review status: criteria provided, single submitter. Criteria: Invitae Variant Classification Sherloc (09022015). Collection method: clinical testing. Allele origin: unknown.
Comment: For these reasons, this variant has been classified as Pathogenic. This variant disrupts a region of the LARS2 protein in which other variant(s) (p.Thr522Asn) have been determined to be pathogenic (PMID: 23541342, 26970254, 28832386). This suggests that this is a clinically significant region of the protein, and that variants that disrupt it are likely to be disease-causing. This variant has not been reported in the literature in individuals affected with LARS2-related conditions. This variant is a gross deletion of the genomic region encompassing exon(s) 14 of the LARS2 gene. This variant would be expected to be in-frame, preserving the integrity of the reading frame.

Literature cited by the submitters: PubMed 23541342; PubMed 26970254; PubMed 28832386.

NC_000003.11:g.(?_45537747)_(45537885_?)del

Gene: LARS2 (leucyl-tRNA synthetase 2, mitochondrial; plus strand). Cytogenetic location: 3p21.31.
Variant type: Deletion.
Identifiers: ClinVar variation 3247014 (VCV003247014.1).